The following is an entry in ClinVar:

NM_182961.4(SYNE1):c.25656C>T (p.Cys8552=)

Gene: SYNE1 (spectrin repeat containing nuclear envelope protein 1; minus strand). Cytogenetic location: 6q25.2.
Variant type: single nucleotide variant.
Coding change: c.25656C>T on transcript NM_182961.4 (MANE Select); coding-DNA position 25656, C replaced by T.
Protein change: p.Cys8552=; no amino-acid change (cysteine 8552 retained).
Molecular consequence: synonymous variant.
Genome position (GRCh38, 1-based): chr6:152,136,621, G>A on the plus strand (C>T on the coding strand, the complement: SYNE1 is on the minus strand). VCF-style: chr6-152136621-G-A. GRCh37 (hg19) VCF-style: chr6-152457756-G-A.
Other names: c.2262C>T, p.Cys754= (NM_001347701.2); c.2190C>T, p.Cys730= (NM_001347702.2); c.25512C>T, p.Cys8504= (NM_033071.5).
Identifiers: ClinVar variation 779982 (VCV000779982.39), dbSNP rs747858299, ClinGen allele CA4052775.

ClinVar aggregate classification (germline): Conflicting classifications of pathogenicity. Review status: criteria provided, conflicting classifications (1 of 4 stars). 5 submissions from 4 submitters: Uncertain significance (1); Benign (1); Likely benign (3). Last evaluated 2025-10-27.

Conditions:
Autosomal recessive ataxia, Beauce type. Also called: SYNE1-Related Autosomal Recessive Cerebellar Ataxia; ATAXIA, RECESSIVE, OF BEAUCE; Spinocerebellar ataxia, autosomal recessive 8; SYNE1 Deficiency. Identifiers: Orphanet 88644, MedGen C1853116, MONDO:0012549, OMIM 610743.
Emery-Dreifuss muscular dystrophy 4, autosomal dominant (EDMD4). Also called: EMERY-DREIFUSS MUSCULAR DYSTROPHY 4 WITH VARIABLE FEATURES. Identifiers: Orphanet 261, MedGen C2751807, MONDO:0013071, OMIM 612998.

Allele frequency attached by ClinVar (database versions not stated): gnomAD 0.00001 and 0.00002; TOPMed 0.00002; gnomAD exomes 0.00003 and 0.00005; ExAC 0.00008.
gnomAD v4.1: 58 of 1,613,138 alleles (0.0036%); highest among the groups gnomAD compares: Middle Eastern, 0.093%; 1 homozygote.

Submissions (5):

Labcorp Genetics (formerly Invitae), Labcorp
Classification: Likely benign for Emery-Dreifuss muscular dystrophy 4, autosomal dominant; Autosomal recessive ataxia, Beauce type. Last evaluated: 2025-10-27. Review status: criteria provided, single submitter. Criteria: Invitae Variant Classification Sherloc (09022015). Collection method: clinical testing. Allele origin: germline.

Blueprint Genetics
Classification: Likely benign. Last evaluated: 2024-11-05. Review status: criteria provided, single submitter. Criteria: ACMG Guidelines, 2015. Collection method: clinical testing. Allele origin: germline.

CeGaT Center for Human Genetics Tuebingen
Classification: Likely benign. Last evaluated: 2022-09-01. Review status: criteria provided, single submitter. Criteria: CeGaT Center For Human Genetics Tuebingen Variant Classification Criteria Version 2. Collection method: clinical testing. Allele origin: germline. Affected: yes. Observed: 1 variant allele.
Comment: SYNE1: BP4, BP7

Illumina Laboratory Services, Illumina
Classification: Benign for Emery-Dreifuss muscular dystrophy 4, autosomal dominant. Last evaluated: 2018-01-12. Review status: criteria provided, single submitter. Criteria: ICSL Variant Classification Criteria 13 December 2019. Collection method: clinical testing. Allele origin: germline.
Comment: This variant was observed in the ICSL laboratory as part of a predisposition screen in an ostensibly healthy population. It had not been previously curated by ICSL or reported in the Human Gene Mutation Database (HGMD: prior to June 1st, 2018), and was therefore a candidate for classification through an automated scoring system. Utilizing variant allele frequency, disease prevalence and penetrance estimates, and inheritance mode, an automated score was calculated to assess if this variant is too frequent to cause the disease. Based on the score and internal cut-off values, a variant classified as benign is not then subjected to further curation. The score for this variant resulted in a classification of benign for this disease.

Illumina Laboratory Services, Illumina
Classification: Uncertain significance for Autosomal recessive ataxia, Beauce type. Last evaluated: 2018-01-12. Review status: criteria provided, single submitter. Criteria: ICSL Variant Classification Criteria 13 December 2019. Collection method: clinical testing. Allele origin: germline.